The following is an entry in ClinVar:

NM_001378414.1(HDAC4):c.1666C>T (p.His556Tyr)

Gene: HDAC4 (histone deacetylase 4; minus strand). Cytogenetic location: 2q37.3.
Variant type: single nucleotide variant.
Coding change: c.1666C>T on transcript NM_001378414.1 (MANE Select); coding-DNA position 1666, C replaced by T.
Protein change: p.His556Tyr; replaces histidine 556 with tyrosine.
Molecular consequence: missense variant.
Genome position (GRCh38, 1-based): chr2:239,115,178, G>A on the plus strand (C>T on the coding strand, the complement: HDAC4 is on the minus strand). VCF-style: chr2-239115178-G-A. GRCh37 (hg19) VCF-style: chr2-240036874-G-A.
Other names: c.1666C>T, p.His556Tyr (NM_001378415.1); c.1651C>T, p.His551Tyr (NM_001378416.1, NM_001378417.1, NM_006037.4); short protein forms H556Y, H551Y.
Identifiers: ClinVar variation 2317085 (VCV002317085.5), dbSNP rs148758723, ClinGen allele CA2199729.
Genomic context (GRCh38, chr2:239,115,178, plus strand): 5'-CTGCCTCTTCCTCATCGCTCTCAATGGGCTCCTGCTTCACCTGCACGCCGGCCTGTGCGT[G>A]CGCCTCCTTCTGCCCCGGCAGCCGGTCCAGGTAGGGCTCGTCCAGCAGAGCCTGGTGCTC-3'
Protein context (NP_001365343.1, residues 546-566): LDRLPGQKEA[His556Tyr]AQAGVQVKQE

ClinVar aggregate classification (germline): Uncertain significance. Review status: criteria provided, multiple submitters, no conflicts (2 of 4 stars). 2 submissions from 2 submitters: Uncertain significance (2). Last evaluated 2025-12-22.

Conditions:
Neurodevelopmental disorder with central hypotonia and dysmorphic facies (NEDCHF). Identifiers: MedGen C5676944, MONDO:0859232, OMIM 619797.
Inborn genetic diseases. Identifiers: MedGen C0950123, MeSH D030342.

Allele frequency attached by ClinVar (database versions not stated): ExAC 0.00004.
gnomAD v4.1: 113 of 1,611,136 alleles (0.007%); highest among the groups gnomAD compares: Non-Finnish European, 0.0086%; no homozygotes.

Submissions (2):

Ambry Genetics
Classification: Uncertain significance for Inborn genetic diseases. Last evaluated: 2025-12-22. Review status: criteria provided, single submitter. Criteria: Ambry Variant Classification Scheme 2023. Collection method: clinical testing. Allele origin: germline.

Clinical Genomics Laboratory, Washington University in St. Louis
Classification: Uncertain significance for Neurodevelopmental disorder with central hypotonia and dysmorphic facies. Last evaluated: 2024-03-22. Review status: criteria provided, single submitter. Criteria: ACMG Guidelines, 2015. Collection method: clinical testing. Allele origin: germline.
Comment: The HDAC4 c.1666C>T (p.His556Tyr) variant, to our knowledge, has not been reported in the medical literature but has been reported in the ClinVar database as a germline variant of uncertain significance. This variant is only observed on 8/247,908 alleles in the general population (gnomAD v.2.1.1), indicating it is not a common variant. This variant occurs in a region that is predicted to be disordered, and does not occur in the 14-3-3 binding site. Computational predictors suggest that the variant does not impact HDAC4 function. Due to limited information, and based on ACMG/AMP guidelines for variant interpretation (Richards S et al., PMID: 25741868), the clinical significance of this variant is uncertain at this time.